The following is an entry in ClinVar:

ClinVar aggregate classification (germline): Benign/Likely benign. Review status: criteria provided, multiple submitters, no conflicts (2 of 4 stars). 16 submissions from 16 submitters: Benign (7); Likely benign (9). Last evaluated 2026-05-20.

Conditions:
Hereditary cancer-predisposing syndrome. Also called: Tumor predisposition; Neoplastic Syndromes, Hereditary; Hereditary Cancer Syndrome; Hereditary neoplastic syndrome. Identifiers: Orphanet 140162, MedGen C0027672, MeSH D009386, MONDO:0015356.
Neurofibromatosis, familial spinal (FSNF). Identifiers: Orphanet 636, MedGen C1834235, MONDO:0008078, OMIM 162210. Disease mechanism: loss of function.
Neurofibromatosis, type 1 (NF1). Also called: Peripheral type neurofibromatosis; Neurofibromatosis, type I; NEUROFIBROMATOSIS, TYPE I, SOMATIC; VON RECKLINGHAUSEN DISEASE. Identifiers: Orphanet 636, MedGen C0027831, MONDO:0018975, OMIM 162200. Disease mechanism: loss of function.

Allele frequency attached by ClinVar (database versions not stated): gnomAD exomes 0.00006 and 0.00016; ExAC 0.00021; ESP Exome Variant Server 0.00054; TOPMed 0.00078; gnomAD 0.00079; 1000 Genomes Project 30x 0.00141; 1000 Genomes Project 0.00160.
gnomAD v4.1: 208 of 1,596,900 alleles (0.013%); highest among the groups gnomAD compares: African/African-American, 0.27%; 2 homozygotes.

Submissions (16):

Myriad Genetics, Inc.
Classification: Benign for Neurofibromatosis, type 1. Last evaluated: 2026-05-20. Review status: criteria provided, single submitter. Criteria: Myriad Autosomal Dominant, Autosomal Recessive and X-Linked Classification Criteria (2023). Collection method: clinical testing. Allele origin: unknown.
Comment: This variant is considered benign. This variant is a silent/synonymous amino acid change and it is not expected to impact splicing.

Labcorp Genetics (formerly Invitae), Labcorp
Classification: Benign for Neurofibromatosis, type 1. Last evaluated: 2026-02-03. Review status: criteria provided, single submitter. Criteria: Invitae Variant Classification Sherloc (09022015). Collection method: clinical testing. Allele origin: germline.

CeGaT Center for Human Genetics Tuebingen
Classification: Likely benign. Last evaluated: 2025-10-01. Review status: criteria provided, single submitter. Criteria: CeGaT Center For Human Genetics Tuebingen Variant Classification Criteria Version 2. Collection method: clinical testing. Allele origin: germline. Affected: yes. Observed: 2 variant alleles.
Comment: NF1: BP4, BS1

Mayo Clinic Laboratories, Mayo Clinic
Classification: Likely benign. Last evaluated: 2025-03-19. Review status: criteria provided, single submitter. Criteria: ACMG Guidelines, 2015. Collection method: clinical testing. Allele origin: germline. Observed: 1 variant allele.
Comment: BS1, BP4, BP7

Blueprint Genetics
Classification: Likely benign. Last evaluated: 2024-09-02. Review status: criteria provided, single submitter. Criteria: ACMG Guidelines, 2015. Collection method: clinical testing. Allele origin: germline.

KCCC/NGS Laboratory, Kuwait Cancer Control Center
Classification: Benign for Neurofibromatosis, familial spinal. Last evaluated: 2023-07-07. Review status: criteria provided, single submitter. Criteria: ACMG Guidelines, 2015. Collection method: clinical testing. Allele origin: germline. Affected: yes.

Quest Diagnostics Nichols Institute San Juan Capistrano
Classification: Benign. Last evaluated: 2022-08-19. Review status: criteria provided, single submitter. Criteria: Quest Diagnostics criteria. Collection method: clinical testing. Allele origin: unknown.
Comment: The frequency of this variant in the general population is higher than would generally be expected for pathogenic variants in this gene. Computational tools yielded predictions that this variant is unlikely to have an effect on normal RNA splicing. This nucleotide position exhibits low evolutionary conservation.

Genome-Nilou Lab
Classification: Likely benign for Neurofibromatosis, type 1. Last evaluated: 2022-03-15. Review status: criteria provided, single submitter. Criteria: ACMG Guidelines, 2015. Collection method: clinical testing. Allele origin: germline. Affected: no.

Genetic Services Laboratory, University of Chicago
Classification: Likely benign. Last evaluated: 2020-12-31. Review status: criteria provided, single submitter. Criteria: ACMG Guidelines, 2015. Collection method: clinical testing. Allele origin: germline. Affected: no.

Sema4
Classification: Benign for Hereditary cancer-predisposing syndrome. Last evaluated: 2020-10-27. Review status: criteria provided, single submitter. Criteria: Sema4 Curation Guidelines. Collection method: curation. Allele origin: germline.

Genome Diagnostics Laboratory, The Hospital for Sick Children
Classification: Likely benign for Neurofibromatosis, type 1. Last evaluated: 2020-10-26. Review status: criteria provided, single submitter. Criteria: ACMG Guidelines, 2015. Collection method: clinical testing. Allele origin: germline. Affected: yes.

Women's Health and Genetics/Laboratory Corporation of America, LabCorp
Classification: Benign. Last evaluated: 2018-10-19. Review status: criteria provided, single submitter. Criteria: LabCorp Variant Classification Summary - May 2015. Collection method: clinical testing. Allele origin: germline.
Comment: Variant summary: NF1 c.3270A>C alters a non-conserved nucleotide resulting in a synonymous change. 5/5 computational tools predict no significant impact on normal splicing. However, these predictions have yet to be confirmed by functional studies. The variant allele was found at a frequency of 0.00021 in 276484 control chromosomes, predominantly at a frequency of 0.0023 within the African subpopulation in the gnomAD database. The observed variant frequency within African control individuals in the gnomAD database is approximately 11-fold of the estimated maximal expected allele frequency for a pathogenic variant in NF1 causing Neurofibromatosis Type 1 phenotype (0.00021), strongly suggesting that the variant is a benign polymorphism found primarily in populations of African origin. To our knowledge, no occurrence of c.3270A>C in individuals affected with Neurofibromatosis Type 1 and no experimental evidence demonstrating its impact on protein function have been reported. Three clinical diagnostic laboratories have submitted clinical-significance assessments for this variant to ClinVar after 2014 without evidence for independent evaluation. All laboratories classified the variant as benign/likely benign. Based on the evidence outlined above, the variant was classified as benign.

GeneDx
Classification: Likely benign. Last evaluated: 2017-12-28. Review status: criteria provided, single submitter. Criteria: GeneDx Variant Classification (06012015). Collection method: clinical testing. Allele origin: germline. Affected: yes.
Comment: This variant is considered likely benign or benign based on one or more of the following criteria: it is a conservative change, it occurs at a poorly conserved position in the protein, it is predicted to be benign by multiple in silico algorithms, and/or has population frequency not consistent with disease.

Laboratory for Molecular Medicine, Mass General Brigham Personalized Medicine
Classification: Benign. Last evaluated: 2014-11-24. Review status: criteria provided, single submitter. Criteria: LMM Criteria. Collection method: clinical testing. Allele origin: germline. Observed: 1 variant allele.
Comment: Gly1090Gly in exon 25 of NF1: This variant is not expected to have clinical sign ificance because it does not alter an amino acid residue and is not located with in the splice consensus sequence. It has been identified in 1.4% (7/492) of Afri can chromosomes from a broad population by the 1000 Genomes Project (.; dbSNP rs150015024).

Ambry Genetics
Classification: Likely benign for Hereditary cancer-predisposing syndrome. Last evaluated: 2014-11-04. Review status: criteria provided, single submitter. Criteria: Ambry Autosomal Dominant and X-Linked criteria (10/2015). Collection method: clinical testing. Allele origin: germline. Observed: 1 variant allele.

PreventionGenetics, part of Exact Sciences
Classification: Likely benign. Review status: criteria provided, single submitter. Criteria: ACMG Guidelines, 2015. Collection method: clinical testing. Allele origin: germline.

NM_001042492.3(NF1):c.3270A>C (p.Gly1090=)

Gene: NF1 (neurofibromin 1; plus strand). Cytogenetic location: 17q11.2.
Variant type: single nucleotide variant.
Coding change: c.3270A>C on transcript NM_001042492.3 (MANE Select); coding-DNA position 3270, A replaced by C.
Protein change: p.Gly1090=; no amino-acid change (glycine 1090 retained).
Molecular consequence: synonymous variant.
Genome position (GRCh38, 1-based): chr17:31,232,145, A>C. VCF-style: chr17-31232145-A-C. GRCh37 (hg19) VCF-style: chr17-29559163-A-C.
Other names: p.Gly1090=; c.3270A>C, p.Gly1090= (NM_000267.4).
Identifiers: ClinVar variation 184233 (VCV000184233.44), dbSNP rs150015024, ClinGen allele CA188303.
Genomic context (GRCh38, chr17:31,232,145, plus strand): 5'-GGCAAGCATGGAAGCAGTAGTTTCACTTCTAGCTGGTCTCCCTCTGCAGCCTGAAGAAGG[A>C]GATGGTGTGGAATTGATGGAAGCCAAATCACAGTTATTTCTTAAGTAAATTTCAGTCACC-3'
Protein context (NP_001035957.1, residues 1080-1100): LAGLPLQPEE[Gly1090=]DGVELMEAKS